The following is an entry in ClinVar:

ClinVar aggregate classification (germline): Pathogenic/Likely pathogenic. Review status: criteria provided, multiple submitters, no conflicts (2 of 4 stars). 4 submissions from 4 submitters: Pathogenic (2); Likely pathogenic (1). 1 of the submissions does not count toward it. Last evaluated 2025-08-24.

Conditions:
Familial cancer of breast. Also called: Hereditary breast cancer; BREAST CANCER, FAMILIAL; hereditary breast carcinoma. Identifiers: Orphanet 227535, MedGen C0346153, MONDO:0016419, OMIM 114480. Disease mechanism: loss of function.
Ataxia-telangiectasia syndrome (AT). Also called: ATAXIA-TELANGIECTASIA, COMPLEMENTATION GROUP A; ATAXIA-TELANGIECTASIA, FRESNO VARIANT; Ataxia-telangiectasia; Ataxia telangiectasia (A-T); Cerebello-oculocutaneous telangiectasia; Immunodeficiency with ataxia telangiectasia. Identifiers: Orphanet 100, MedGen C0004135, MONDO:0008840, OMIM 208900.

Allele frequency attached by ClinVar (database versions not stated): gnomAD exomes below 0.00001.

Submissions (4):

Labcorp Genetics (formerly Invitae), Labcorp
Classification: Pathogenic for Ataxia-telangiectasia syndrome. Last evaluated: 2025-08-24. Review status: criteria provided, single submitter. Criteria: Invitae Variant Classification Sherloc (09022015). Collection method: clinical testing. Allele origin: germline.
Comment: This sequence change creates a premature translational stop signal (p.Leu581Ilefs*7) in the ATM gene. It is expected to result in an absent or disrupted protein product. Loss-of-function variants in ATM are known to be pathogenic (PMID: 23807571, 25614872). This variant is present in population databases (no rsID available, gnomAD 0.003%). This variant has not been reported in the literature in individuals affected with ATM-related conditions. ClinVar contains an entry for this variant (Variation ID: 370725). Algorithms developed to predict the effect of sequence changes on RNA splicing suggest that this variant may disrupt the consensus splice site. For these reasons, this variant has been classified as Pathogenic.

Myriad Genetics, Inc.
Classification: Pathogenic for Familial cancer of breast. Last evaluated: 2024-01-16. Review status: criteria provided, single submitter. Criteria: Myriad Autosomal Dominant, Autosomal Recessive and X-Linked Classification Criteria (2023). Collection method: clinical testing. Allele origin: unknown.
Comment: This variant is considered pathogenic. This variant creates a frameshift predicted to result in premature protein truncation.

Baylor Genetics
Classification: Likely pathogenic for Familial cancer of breast. Last evaluated: 2023-10-31. Review status: criteria provided, single submitter. Criteria: ACMG Guidelines, 2015. Collection method: clinical testing. Allele origin: unknown.

Counsyl
Classification: Likely pathogenic for Ataxia-telangiectasia syndrome. Last evaluated: 2016-03-30. Review status: no assertion criteria provided. Collection method: clinical testing. Allele origin: unknown. Not counted in ClinVar's aggregate classification.

Literature cited by the submitters: PubMed 23807571 (cited by Labcorp Genetics (formerly Invitae), Labcorp); PubMed 25614872 (cited by Labcorp Genetics (formerly Invitae), Labcorp).

NM_000051.4(ATM):c.1741_1742del (p.Leu581fs)

Gene: ATM (ATM serine/threonine kinase; plus strand). Cytogenetic location: 11q22.3.
Variant type: Deletion.
Coding change: c.1741_1742del on transcript NM_000051.4 (MANE Select); coding-DNA positions 1741 to 1742, 2 bases deleted (TT; older notation c.1741_1742delTT).
Protein change: p.Leu581fs; shifts the reading frame from leucine 581.
Molecular consequence: frameshift variant.
Genome position (GRCh38, 1-based): chr11:108,251,970-108,251,971, TT deleted. VCF-style (leftmost placement, unchanged base first): chr11-108251969-CTT-C. GRCh37 (hg19) VCF-style: chr11-108122696-CTT-C.
Other names: c.1741_1742delTT (NM_000051.3); c.1741_1742del, p.Leu581fs (NM_001351834.2); short protein forms L581fs.
Identifiers: ClinVar variation 370725 (VCV000370725.10), dbSNP rs1057516721, ClinGen allele CA16041385.